The following is an entry in ClinVar:

NM_004371.4(COPA):c.3422C>T (p.Thr1141Ile)

Gene: COPA (coat protein complex I subunit alpha; minus strand). Cytogenetic location: 1q23.2.
Variant type: single nucleotide variant.
Coding change: c.3422C>T on transcript NM_004371.4 (MANE Select); coding-DNA position 3422, C replaced by T.
Protein change: p.Thr1141Ile; replaces threonine 1141 with isoleucine.
Molecular consequence: missense variant.
Genome position (GRCh38, 1-based): chr1:160,290,685, G>A on the plus strand (C>T on the coding strand, the complement: COPA is on the minus strand). VCF-style: chr1-160290685-G-A. GRCh37 (hg19) VCF-style: chr1-160260475-G-A.
Other names: c.3449C>T, p.Thr1150Ile (NM_001098398.2); short protein forms T1141I, T1150I.
Identifiers: ClinVar variation 1015474 (VCV001015474.9), dbSNP rs1389932827, ClinGen allele CA343269358.

ClinVar aggregate classification (germline): Uncertain significance. Review status: criteria provided, multiple submitters, no conflicts (2 of 4 stars). 2 submissions from 2 submitters: Uncertain significance (2). Last evaluated 2024-01-03.

Conditions:
Autoimmune interstitial lung disease-arthritis syndrome. Also called: Autoinflammation and autoimmunity, systemic, with immune dysregulation. Identifiers: Orphanet 444092, MedGen C5975714, MONDO:0014629.

Allele frequency attached by ClinVar (database versions not stated): gnomAD exomes below 0.00001.
gnomAD v4.1: 2 of 1,613,946 alleles (0.00012%); highest among the groups gnomAD compares: Admixed American, 0.0017%; no homozygotes.

Submissions (2):

Labcorp Genetics (formerly Invitae), Labcorp
Classification: Uncertain significance for Autoimmune interstitial lung disease-arthritis syndrome. Last evaluated: 2024-01-03. Review status: criteria provided, single submitter. Criteria: Invitae Variant Classification Sherloc (09022015). Collection method: clinical testing. Allele origin: germline.
Comment: This sequence change replaces threonine, which is neutral and polar, with isoleucine, which is neutral and non-polar, at codon 1141 of the COPA protein (p.Thr1141Ile). This variant is present in population databases (no rsID available, gnomAD 0.0009%). This variant has not been reported in the literature in individuals affected with COPA-related conditions. ClinVar contains an entry for this variant (Variation ID: 1015474). An algorithm developed to predict the effect of missense changes on protein structure and function (PolyPhen-2) suggests that this variant is likely to be tolerated. In summary, the available evidence is currently insufficient to determine the role of this variant in disease. Therefore, it has been classified as a Variant of Uncertain Significance.

Breakthrough Genomics
Classification: Uncertain significance. Review status: criteria provided, single submitter. Criteria: ACMG Guidelines, 2015. Collection method: not provided. Allele origin: germline. Inheritance: Autosomal dominant inheritance. Affected: yes.